The following is an entry in ClinVar:

ClinVar aggregate classification (germline): Uncertain significance (1 of 4 stars; one submission).

Submission:

GeneDx
Classification: Uncertain significance. Last evaluated: 2019-12-23. Review status: criteria provided, single submitter. Criteria: GeneDx Variant Classification Process June 2021. Collection method: clinical testing. Allele origin: germline. Affected: yes.
Comment: Has not been previously published as pathogenic or benign to our knowledge; Not observed in large population cohorts (Lek et al., 2016); In silico analysis, which includes protein predictors and evolutionary conservation, supports that this variant does not alter protein structure/function

NM_004208.4(AIFM1):c.374A>C (p.Gln125Pro)

Genes: AIFM1 (apoptosis inducing factor mitochondria associated 1; minus strand), RAB33A (RAB33A, member RAS oncogene family; plus strand). Cytogenetic location: Xq26.1.
Variant type: single nucleotide variant.
Coding change: c.374A>C on transcript NM_004208.4 (MANE Select); coding-DNA position 374, A replaced by C.
Protein change: p.Gln125Pro; replaces glutamine 125 with proline.
Molecular consequence: missense variant. On other transcripts: non-coding transcript variant (1).
Genome position (GRCh38, 1-based): chrX:130,147,852, T>G on the plus strand (A>C on the coding strand, the complement: AIFM1 is on the minus strand). VCF-style: chrX-130147852-T-G. GRCh37 (hg19) VCF-style: chrX-129281827-T-G.
Other names: c.374A>C, p.Gln125Pro (NM_001130847.4); c.362A>C, p.Gln121Pro (NM_145812.3); short protein forms Q121P, Q125P.
Identifiers: ClinVar variation 1311647 (VCV001311647.2), dbSNP rs2124664648, ClinGen allele CA414589253.